The following is an entry in ClinVar:

ClinVar aggregate classification (germline): Pathogenic (1 of 4 stars; one submission).

Conditions:
Juvenile-onset diabetes mellitus-central and peripheral neurodegeneration syndrome. Also called: Ataxia, combined cerebellar and peripheral, with hearing loss and diabetes mellitus. Identifiers: Orphanet 445062, MedGen C4015436, MONDO:0014523, OMIM 616192.

Submission:

Women's Health and Genetics/Laboratory Corporation of America, LabCorp
Classification: Pathogenic for Juvenile-onset diabetes mellitus-central and peripheral neurodegeneration syndrome. Last evaluated: 2025-02-19. Review status: criteria provided, single submitter. Criteria: LabCorp Variant Classification Summary - May 2015. Collection method: clinical testing. Allele origin: germline.
Comment: Variant summary: DNAJC3 c.435dupG (p.Ser146ValfsX7) results in a premature termination codon, predicted to cause a truncation of the encoded protein or absence of the protein due to nonsense mediated decay, which are commonly known mechanisms for disease. The variant allele was found at a frequency of 8e-06 in 250628 control chromosomes. To our knowledge, no occurrence of c.435dupG in individuals affected with Juvenile-Onset Diabetes Mellitus-Central And Peripheral Neurodegeneration Syndrome and no experimental evidence demonstrating its impact on protein function have been reported. No submitters have cited clinical-significance assessments for this variant to ClinVar. Based on the evidence outlined above, the variant was classified as pathogenic.

NM_006260.5(DNAJC3):c.435dup (p.Ser146fs)

Gene: DNAJC3 (DnaJ heat shock protein family (Hsp40) member C3; plus strand). Cytogenetic location: 13q32.1.
Variant type: Duplication.
Coding change: c.435dup on transcript NM_006260.5 (MANE Select); coding-DNA position 435, one base duplicated (G; older notation c.435dupG).
Protein change: p.Ser146fs; shifts the reading frame from serine 146.
Molecular consequence: frameshift variant.
Genome position (GRCh38, 1-based): chr13:95,757,685, G duplicated. VCF-style (leftmost placement, unchanged base first): chr13-95757684-A-AG. GRCh37 (hg19) VCF-style: chr13-96409938-A-AG.
Other names: c.435dupG (NM_006260.5); short protein forms S146fs.
Identifiers: ClinVar variation 3768963 (VCV003768963.1).